The following is an entry in ClinVar:

ClinVar aggregate classification (germline): Uncertain significance (1 of 4 stars; one submission).

Conditions:
Inborn genetic diseases. Identifiers: MedGen C0950123, MeSH D030342.

Submission:

Ambry Genetics
Classification: Uncertain significance for Inborn genetic diseases. Last evaluated: 2025-04-06. Review status: criteria provided, single submitter. Criteria: Ambry Variant Classification Scheme 2023. Collection method: clinical testing. Allele origin: germline.
Comment: The p.S1340Y variant (also known as c.4019C>A), located in coding exon 41 of the FANCA gene, results from a C to A substitution at nucleotide position 4019. The serine at codon 1340 is replaced by tyrosine, an amino acid with dissimilar properties. This amino acid position is conserved. In addition, the in silico prediction for this alteration is inconclusive. Based on the available evidence, the clinical significance of this variant remains unclear.

NM_000135.4(FANCA):c.4019C>A (p.Ser1340Tyr)

Genes: ZNF276 (zinc finger protein 276; plus strand), FANCA (FA complementation group A; minus strand). Cytogenetic location: 16q24.3.
Variant type: single nucleotide variant.
Coding change: c.4019C>A on transcript NM_000135.4 (MANE Select); coding-DNA position 4019, C replaced by A.
Protein change: p.Ser1340Tyr; replaces serine 1340 with tyrosine.
Molecular consequence: missense variant. On other transcripts: 3 prime UTR variant (2), non-coding transcript variant (4).
Genome position (GRCh38, 1-based): chr16:89,739,281, G>T on the plus strand (C>A on the coding strand, the complement: FANCA is on the minus strand). VCF-style: chr16-89739281-G-T. GRCh37 (hg19) VCF-style: chr16-89805689-G-T.
Other names: c.4019C>A, p.Ser1340Tyr (NM_001286167.3); c.*1035G>T (NM_001113525.2, NM_152287.4); short protein forms S1340Y.
Identifiers: ClinVar variation 4022162 (VCV004022162.1).